The following is an entry in ClinVar:

ClinVar aggregate classification (germline): Benign/Likely benign. Review status: criteria provided, multiple submitters, no conflicts (2 of 4 stars). 6 submissions from 6 submitters: Benign (2); Likely benign (4). Last evaluated 2026-01-27.

Conditions:
Inborn genetic diseases. Identifiers: MedGen C0950123, MeSH D030342.
Neurodevelopmental disorder with or without hyperkinetic movements and seizures, autosomal dominant. Also called: Intellectual disability, autosomal dominant 8. Identifiers: MedGen C3280282, MONDO:0013655, OMIM 614254.

Allele frequency attached by ClinVar (database versions not stated): gnomAD exomes 0.00035; ExAC 0.00045; ESP Exome Variant Server 0.00123; TOPMed 0.00134; gnomAD 0.00145 and 0.00153; 1000 Genomes Project 0.00160; 1000 Genomes Project 30x 0.00203.
gnomAD v4.1: 448 of 1,611,456 alleles (0.028%); highest among the groups gnomAD compares: African/African-American, 0.52%; 1 homozygote.

Submissions (6):

Labcorp Genetics (formerly Invitae), Labcorp
Classification: Benign for Neurodevelopmental disorder with or without hyperkinetic movements and seizures, autosomal dominant. Last evaluated: 2026-01-27. Review status: criteria provided, single submitter. Criteria: Invitae Variant Classification Sherloc (09022015). Collection method: clinical testing. Allele origin: germline.

Mayo Clinic Laboratories, Mayo Clinic
Classification: Likely benign. Last evaluated: 2025-06-13. Review status: criteria provided, single submitter. Criteria: ACMG Guidelines, 2015. Collection method: clinical testing. Allele origin: germline. Observed: 4 variant alleles.
Comment: BS1, BP4, BP7

CeGaT Center for Human Genetics Tuebingen
Classification: Likely benign. Last evaluated: 2025-03-01. Review status: criteria provided, single submitter. Criteria: CeGaT Center For Human Genetics Tuebingen Variant Classification Criteria Version 2. Collection method: clinical testing. Allele origin: germline. Affected: yes. Observed: 2 variant alleles.
Comment: GRIN1: BP4, BP7

Blueprint Genetics
Classification: Likely benign. Last evaluated: 2024-04-22. Review status: criteria provided, single submitter. Criteria: ACMG Guidelines, 2015. Collection method: clinical testing. Allele origin: germline.

GeneDx
Classification: Benign. Last evaluated: 2017-03-13. Review status: criteria provided, single submitter. Criteria: GeneDx Variant Classification (06012015). Collection method: clinical testing. Allele origin: germline. Affected: yes.
Comment: This variant is considered likely benign or benign based on one or more of the following criteria: it is a conservative change, it occurs at a poorly conserved position in the protein, it is predicted to be benign by multiple in silico algorithms, and/or has population frequency not consistent with disease.

Ambry Genetics
Classification: Likely benign for Inborn genetic diseases. Last evaluated: 2016-07-08. Review status: criteria provided, single submitter. Criteria: Ambry Variant Classification Scheme 2023. Collection method: clinical testing. Allele origin: germline.

NM_007327.4(GRIN1):c.1809G>C (p.Leu603=)

Gene: GRIN1 (glutamate ionotropic receptor NMDA type subunit 1; plus strand). Cytogenetic location: 9q34.3.
Variant type: single nucleotide variant.
Coding change: c.1809G>C on transcript NM_007327.4 (MANE Select); coding-DNA position 1809, G replaced by C.
Protein change: p.Leu603=; no amino-acid change (leucine 603 retained).
Molecular consequence: synonymous variant.
Genome position (GRCh38, 1-based): chr9:137,162,461, G>C. VCF-style: chr9-137162461-G-C. GRCh37 (hg19) VCF-style: chr9-140056913-G-C.
Other names: p.Leu603=; c.1809G>C, p.Leu603= (NM_000832.7, NM_021569.4); c.1872G>C, p.Leu624= (NM_001185090.2, NM_001185091.2).
Identifiers: ClinVar variation 472573 (VCV000472573.41), dbSNP rs141249927, ClinGen allele CA5361001.